The following is an entry in ClinVar:

NM_182760.4(SUMF1):c.25_270+3del

Genes: SUMF1 (sulfatase modifying factor 1; minus strand), LOC129936056 (ATAC-STARR-seq lymphoblastoid silent region 14016; plus strand). Cytogenetic location: 3p26.1.
Variant type: Deletion.
Coding change: c.25_270+3del on transcript NM_182760.4 (MANE Select); coding-DNA position 25 through 3 bases into the intron after coding-DNA position 270, 249 bases deleted.
Molecular consequence: splice donor variant.
Genome position (GRCh38, 1-based): chr3:4,466,973-4,467,221, 249 bases deleted. GRCh37 (hg19): chr3:4,508,659-4,508,907.
Other names: c.25_270+3del (NM_001164674.2, NM_001164675.2).
Identifiers: ClinVar variation 642142 (VCV000642142.7), dbSNP rs1575266004, ClinGen allele CA915941830.

ClinVar aggregate classification (germline): Likely pathogenic (1 of 4 stars; one submission).

Conditions:
Multiple sulfatase deficiency (MSD). Also called: Mucosulfatidosis; Multiple Sulfatase Deficiency Disease; Sulfatidosis, Juvenile, Austin Type. Identifiers: Orphanet 585, MedGen C0268263, MONDO:0010088, OMIM 272200.

Submission:

Labcorp Genetics (formerly Invitae), Labcorp
Classification: Likely pathogenic for Multiple sulfatase deficiency. Last evaluated: 2025-10-04. Review status: criteria provided, single submitter. Criteria: Invitae Variant Classification Sherloc (09022015). Collection method: clinical testing. Allele origin: germline.
Comment: This variant results in the deletion of part of exon 1 (c.25_270+3del) of the SUMF1 gene. It is expected to disrupt RNA splicing. Variants that disrupt the donor or acceptor splice site typically lead to a loss of protein function (PMID: 16199547), and loss-of-function variants in SUMF1 are known to be pathogenic (PMID: 12757705, 12757706, 25885655). This variant is not present in population databases (gnomAD no frequency). This variant has not been reported in the literature in individuals affected with SUMF1-related conditions. ClinVar contains an entry for this variant (Variation ID: 642142). This variant disrupts a region of the SUMF1 protein in which other variant(s) (p.Leu20Phe) have been observed in individuals with SUMF1-related conditions (PMID: 15146462). This suggests that this is a clinically significant region of the protein, and that variants that disrupt it are likely to be disease-causing. In summary, the currently available evidence indicates that the variant is pathogenic, but additional data are needed to prove that conclusively. Therefore, this variant has been classified as Likely Pathogenic.

Literature cited by the submitters: PubMed 16199547; PubMed 12757705; PubMed 12757706; PubMed 25885655; PubMed 15146462.